The following is an entry in ClinVar:

NM_001110556.2(FLNA):c.3095G>A (p.Arg1032His)

Gene: FLNA (filamin A; minus strand). Cytogenetic location: Xq28.
Variant type: single nucleotide variant.
Coding change: c.3095G>A on transcript NM_001110556.2 (MANE Select); coding-DNA position 3095, G replaced by A.
Protein change: p.Arg1032His; replaces arginine 1032 with histidine.
Molecular consequence: missense variant.
Genome position (GRCh38, 1-based): chrX:154,361,420, C>T on the plus strand (G>A on the coding strand, the complement: FLNA is on the minus strand). VCF-style: chrX-154361420-C-T. GRCh37 (hg19) VCF-style: chrX-153589788-C-T.
Other names: c.3095G>A (NM_001110556.1); c.3095G>A, p.Arg1032His (NM_001456.4); short protein forms R1032H.
Identifiers: ClinVar variation 493555 (VCV000493555.50), dbSNP rs781782783, ClinGen allele CA10560779.

ClinVar aggregate classification (germline): Conflicting classifications of pathogenicity. Review status: criteria provided, conflicting classifications (1 of 4 stars). 5 submissions from 5 submitters: Uncertain significance (4); Likely benign (1). Last evaluated 2026-05-10.

Conditions:
FLNA-related disorder.
Melnick-Needles syndrome (MNS). Also called: OSTEODYSPLASTY OF MELNICK AND NEEDLES; MELNICK-NEEDLES OSTEODYSPLASTY; Melnick-Needles Syndrome (FLNA-MNS). Identifiers: Orphanet 2484, MedGen C0025237, MONDO:0010650, OMIM 309350.
Frontometaphyseal dysplasia (FMD1). Identifiers: Orphanet 1826, MedGen C0265293, MONDO:0015942.
Heterotopia, periventricular, X-linked dominant (PVNH1). Also called: PERIVENTRICULAR NODULAR HETEROTOPIA 1; PERIVENTRICULAR NODULAR HETEROTOPIA 4; HETEROTOPIA, PERIVENTRICULAR, 1; X-linked periventricular heterotopia. Identifiers: Orphanet 2149, Orphanet 82004, MedGen C1848213, MONDO:0010233, OMIM 300049.
Oto-palato-digital syndrome, type II (OPD2). Also called: OPD II SYNDROME; FACIOPALATOOSSEOUS SYNDROME; Otopalatodigital Syndrome Type 2 (FLNA-OPD2); Otopalatodigital Syndrome, Type II. Identifiers: Orphanet 669, Orphanet 90652, MedGen C1844696, MONDO:0010571, OMIM 304120.

Allele frequency attached by ClinVar (database versions not stated): gnomAD exomes below 0.00001 and 0.00001; TOPMed below 0.00001; ExAC 0.00001.
gnomAD v4.1: 6 of 1,210,828 alleles (0.0005%); highest among the groups gnomAD compares: East Asian, 0.003%; no homozygotes.

Submissions (5):

PreventionGenetics, part of Exact Sciences
Classification: Uncertain significance for FLNA-related condition. Last evaluated: 2026-05-10. Review status: criteria provided, single submitter. Criteria: ACMG Guidelines, 2015. Collection method: clinical testing. Allele origin: germline.
Comment: The FLNA c.3095G>A variant is predicted to result in the amino acid substitution p.Arg1032His. To our knowledge, this variant has not been reported in the literature. This variant is reported in 0.0012% of alleles in individuals of European (Non-Finnish) descent in gnomAD. At this time, the clinical significance of this variant is uncertain due to the absence of conclusive functional and genetic evidence.

Labcorp Genetics (formerly Invitae), Labcorp
Classification: Likely benign for Oto-palato-digital syndrome, type II; Heterotopia, periventricular, X-linked dominant; Frontometaphyseal dysplasia; Melnick-Needles syndrome. Last evaluated: 2025-09-01. Review status: criteria provided, single submitter. Criteria: Invitae Variant Classification Sherloc (09022015). Collection method: clinical testing. Allele origin: germline.

Women's Health and Genetics/Laboratory Corporation of America, LabCorp
Classification: Uncertain significance. Last evaluated: 2024-04-11. Review status: criteria provided, single submitter. Criteria: LabCorp Variant Classification Summary - May 2015. Collection method: clinical testing. Allele origin: germline.
Comment: Variant summary: FLNA c.3095G>A (p.Arg1032His) results in a non-conservative amino acid change in the encoded protein sequence. Three of five in-silico tools predict a damaging effect of the variant on protein function. The variant allele was found at a frequency of 5.5e-06 in 181373 control chromosomes. The available data on variant occurrences in the general population are insufficient to allow any conclusion about variant significance. To our knowledge, no occurrence of c.3095G>A in individuals affected with Periventricular Nodular Heterotopia 1 and no experimental evidence demonstrating its impact on protein function have been reported. ClinVar contains an entry for this variant (Variation ID: 493555). Based on the evidence outlined above, the variant was classified as uncertain significance.

Blueprint Genetics
Classification: Uncertain significance. Last evaluated: 2021-04-28. Review status: criteria provided, single submitter. Criteria: ACMG Guidelines, 2015. Collection method: clinical testing. Allele origin: germline.

CeGaT Center for Human Genetics Tuebingen
Classification: Uncertain significance. Last evaluated: 2017-09-01. Review status: criteria provided, single submitter. Criteria: CeGaT Center For Human Genetics Tuebingen Variant Classification Criteria Version 2. Collection method: clinical testing. Allele origin: germline. Affected: yes. Observed: 1 variant allele.